The following is an entry in ClinVar:

ClinVar aggregate classification (germline): Uncertain significance (1 of 4 stars; one submission).

Conditions:
Melnick-Needles syndrome (MNS). Also called: MELNICK-NEEDLES OSTEODYSPLASTY; OSTEODYSPLASTY OF MELNICK AND NEEDLES; Melnick-Needles Syndrome (FLNA-MNS). Identifiers: Orphanet 2484, MedGen C0025237, MONDO:0010650, OMIM 309350.
Heterotopia, periventricular, X-linked dominant (PVNH1). Also called: PERIVENTRICULAR NODULAR HETEROTOPIA 1; X-linked periventricular heterotopia; HETEROTOPIA, PERIVENTRICULAR, 1; PERIVENTRICULAR NODULAR HETEROTOPIA 4. Identifiers: Orphanet 2149, Orphanet 82004, MedGen C1848213, MONDO:0010233, OMIM 300049.
Oto-palato-digital syndrome, type II (OPD2). Also called: OPD II SYNDROME; Otopalatodigital Syndrome, Type II; FACIOPALATOOSSEOUS SYNDROME; Otopalatodigital Syndrome Type 2 (FLNA-OPD2). Identifiers: Orphanet 669, Orphanet 90652, MedGen C1844696, MONDO:0010571, OMIM 304120.
Frontometaphyseal dysplasia (FMD1). Identifiers: Orphanet 1826, MedGen C0265293, MONDO:0015942.

Submission:

Labcorp Genetics (formerly Invitae), Labcorp
Classification: Uncertain significance for Oto-palato-digital syndrome, type II; Heterotopia, periventricular, X-linked dominant; Frontometaphyseal dysplasia; Melnick-Needles syndrome. Last evaluated: 2023-08-10. Review status: criteria provided, single submitter. Criteria: Invitae Variant Classification Sherloc (09022015). Collection method: clinical testing. Allele origin: germline.
Comment: In summary, the available evidence is currently insufficient to determine the role of this variant in disease. Therefore, it has been classified as a Variant of Uncertain Significance. Advanced modeling of protein sequence and biophysical properties (such as structural, functional, and spatial information, amino acid conservation, physicochemical variation, residue mobility, and thermodynamic stability) performed at Invitae indicates that this missense variant is not expected to disrupt FLNA protein function. ClinVar contains an entry for this variant (Variation ID: 1716053). This variant has not been reported in the literature in individuals affected with FLNA-related conditions. This variant is not present in population databases (gnomAD no frequency). This sequence change replaces glutamic acid, which is acidic and polar, with glycine, which is neutral and non-polar, at codon 878 of the FLNA protein (p.Glu878Gly).

NM_001110556.2(FLNA):c.2633A>G (p.Glu878Gly)

Gene: FLNA (filamin A; minus strand). Cytogenetic location: Xq28.
Variant type: single nucleotide variant.
Coding change: c.2633A>G on transcript NM_001110556.2 (MANE Select); coding-DNA position 2633, A replaced by G.
Protein change: p.Glu878Gly; replaces glutamic acid 878 with glycine.
Molecular consequence: missense variant.
Genome position (GRCh38, 1-based): chrX:154,362,265, T>C on the plus strand (A>G on the coding strand, the complement: FLNA is on the minus strand). VCF-style: chrX-154362265-T-C. GRCh37 (hg19) VCF-style: chrX-153590633-T-C.
Other names: c.2633A>G, p.Glu878Gly (NM_001456.4); short protein forms E878G.
Identifiers: ClinVar variation 1716053 (VCV001716053.6), dbSNP rs2522747841, ClinGen allele CA415233425.